The following is an entry in ClinVar:

NM_001032382.2(PQBP1):c.743C>G (p.Pro248Arg)

Gene: PQBP1 (polyglutamine binding protein 1; plus strand). Cytogenetic location: Xp11.23.
Variant type: single nucleotide variant.
Coding change: c.743C>G on transcript NM_001032382.2 (MANE Select); coding-DNA position 743, C replaced by G.
Protein change: p.Pro248Arg; replaces proline 248 with arginine.
Molecular consequence: missense variant.
Genome position (GRCh38, 1-based): chrX:48,903,029, C>G. VCF-style: chrX-48903029-C-G. GRCh37 (hg19) VCF-style: chrX-48760306-C-G.
Other names: c.743C>G, p.Pro248Arg (NM_001032381.2, NM_001032383.2, NM_001032384.1 and 1 more transcripts); c.740C>G, p.Pro247Arg (NM_001167989.2); c.719C>G, p.Pro240Arg (NM_001167990.2); c.443C>G, p.Pro148Arg (NM_001167992.1); c.458C>G, p.Pro153Arg (NM_144495.3); short protein forms P148R, P153R, P240R, P247R, P248R.
Identifiers: ClinVar variation 1333417 (VCV001333417.1), dbSNP rs2147479387, ClinGen allele CA412891822.
Genomic context (GRCh38, chrX:48,903,029, plus strand): 5'-AGACTGGCGCTGACACCACAGCAGCTGGGCCCCTCTTCCAGCAGCGGCCGTATCCATCCC[C>G]AGGGGCTGTGCTCCGGGCCAATGCAGAGGCCTCCCGAACCAAGCAGCAGGATTGAAGCTT-3'
Protein context (NP_001027554.1, residues 238-258): PLFQQRPYPS[Pro248Arg]GAVLRANAEA

ClinVar aggregate classification (germline): Uncertain significance (1 of 4 stars; one submission).

Conditions:
Renpenning syndrome. Also called: SUTHERLAND-HAAN X-LINKED MENTAL RETARDATION SYNDROME; Mental retardation, X-linked Renpenning type; X-linked mental retardation with spastic diplegia; X-linked mental retardation syndromic 3; Sutherland-Haan syndrome; GOLABI-ITO-HALL SYNDROME. Identifiers: Orphanet 3242, MedGen C0796135, MONDO:0010653, OMIM 309500.

Submission:

3billion
Classification: Uncertain significance for Renpenning syndrome. Last evaluated: 2022-01-03. Review status: criteria provided, single submitter. Criteria: ACMG Guidelines, 2015. Collection method: clinical testing. Allele origin: germline. Affected: yes. Observed: 1 hemizygote.
Comment: The variant is located in a well-established functional domain or exonic hotspot, where pathogenic variants have frequently reported (PM1_M). It is not observed in the gnomAD v2.1.1 dataset (PM2_M). In silico tool predictions suggest damaging effect of the variant on gene or gene product (REVEL: 0.716, PP3_P). Therefore, this variant is classified as uncertain significance according to the recommendation of ACMG/AMP guideline.